The following is an entry in ClinVar:

NM_001105206.3(LAMA4):c.1580T>C (p.Met527Thr)

Gene: LAMA4 (laminin subunit alpha 4; minus strand). Cytogenetic location: 6q21.
Variant type: single nucleotide variant.
Coding change: c.1580T>C on transcript NM_001105206.3 (MANE Select); coding-DNA position 1580, T replaced by C.
Protein change: p.Met527Thr; replaces methionine 527 with threonine.
Molecular consequence: missense variant.
Genome position (GRCh38, 1-based): chr6:112,165,248, A>G on the plus strand (T>C on the coding strand, the complement: LAMA4 is on the minus strand). VCF-style: chr6-112165248-A-G. GRCh37 (hg19) VCF-style: chr6-112486450-A-G.
Other names: c.1559T>C, p.Met520Thr (NM_001105207.3, NM_002290.5); short protein forms M527T, M520T.
Identifiers: ClinVar variation 1775215 (VCV001775215.3), dbSNP rs782032951, ClinGen allele CA3965731.

ClinVar aggregate classification (germline): Uncertain significance. Review status: criteria provided, multiple submitters, no conflicts (2 of 4 stars). 2 submissions from 2 submitters: Uncertain significance (2). Last evaluated 2025-04-13.

Conditions:
Dilated cardiomyopathy 1JJ (CMD1JJ). Identifiers: Orphanet 154, MedGen C3808935, MONDO:0014095, OMIM 615235.
Cardiovascular phenotype. Identifiers: MedGen CN230736.

Allele frequency attached by ClinVar (database versions not stated): TOPMed 0.00001; ExAC 0.00001; gnomAD exomes 0.00001.
gnomAD v4.1: 24 of 1,612,934 alleles (0.0015%); highest among the groups gnomAD compares: African/African-American, 0.0027%; no homozygotes.

Submissions (2):

Labcorp Genetics (formerly Invitae), Labcorp
Classification: Uncertain significance for Dilated cardiomyopathy 1JJ. Last evaluated: 2025-04-13. Review status: criteria provided, single submitter. Criteria: Invitae Variant Classification Sherloc (09022015). Collection method: clinical testing. Allele origin: germline.
Comment: This sequence change replaces methionine, which is neutral and non-polar, with threonine, which is neutral and polar, at codon 520 of the LAMA4 protein (p.Met520Thr). This variant is present in population databases (rs782032951, gnomAD 0.002%). This variant has not been reported in the literature in individuals affected with LAMA4-related conditions. ClinVar contains an entry for this variant (Variation ID: 1775215). Invitae Evidence Modeling of protein sequence and biophysical properties (such as structural, functional, and spatial information, amino acid conservation, physicochemical variation, residue mobility, and thermodynamic stability) indicates that this missense variant is not expected to disrupt LAMA4 protein function with a negative predictive value of 80%. In summary, the available evidence is currently insufficient to determine the role of this variant in disease. Therefore, it has been classified as a Variant of Uncertain Significance.

Ambry Genetics
Classification: Uncertain significance for Cardiovascular phenotype. Last evaluated: 2021-11-05. Review status: criteria provided, single submitter. Criteria: Ambry Variant Classification Scheme 2023. Collection method: clinical testing. Allele origin: germline.
Comment: The p.M520T variant (also known as c.1559T>C), located in coding exon 12 of the LAMA4 gene, results from a T to C substitution at nucleotide position 1559. The methionine at codon 520 is replaced by threonine, an amino acid with similar properties. This amino acid position is conserved. In addition, this alteration is predicted to be tolerated by in silico analysis. Since supporting evidence is limited at this time, the clinical significance of this alteration remains unclear.